The following is an entry in ClinVar:

NC_000013.10:g.(?_32930545)_(32932086_?)del

Gene: BRCA2 (BRCA2 DNA repair associated; plus strand). Cytogenetic location: 13q13.1.
Variant type: Deletion.
Identifiers: ClinVar variation 1074104 (VCV001074104.8).

ClinVar aggregate classification (germline): Pathogenic (1 of 4 stars; one submission).

Conditions:
Hereditary breast ovarian cancer syndrome. Also called: Hereditary breast and ovarian cancer syndrome (HBOC); Hereditary breast and/or ovarian cancer syndrome; Hereditary breast and ovarian cancer; BRCA1- and BRCA2-Associated Hereditary Breast and Ovarian Cancer; Hereditary breast and ovarian cancer syndrome; Breast and ovarian cancer. Identifiers: Orphanet 145, MedGen C0677776, MeSH D061325, MONDO:0003582. Disease mechanism: loss of function.

Submission:

Labcorp Genetics (formerly Invitae), Labcorp
Classification: Pathogenic for Hereditary breast ovarian cancer syndrome. Last evaluated: 2023-12-04. Review status: criteria provided, single submitter. Criteria: Invitae Variant Classification Sherloc (09022015). Collection method: clinical testing. Allele origin: germline.
Comment: This variant is a gross deletion of the genomic region encompassing exon(s) 15-16 of the BRCA2 gene. This deletion is out-of-frame, and is expected to create a premature termination codon and result in an absent or disrupted protein product. Loss-of-function variants in BRCA2 are known to be pathogenic (PMID: 20104584). A similar copy number variant has been observed in individual(s) with BRCA2-related cancers (PMID: 17063271, 19894111, 21324516, 23099436). For these reasons, this variant has been classified as Pathogenic.

Literature cited by the submitters: PubMed 20104584; PubMed 17063271; PubMed 19894111; PubMed 21324516; PubMed 23099436.